The following is an entry in ClinVar:

NM_031935.3(HMCN1):c.697G>A (p.Val233Ile)

Gene: HMCN1 (hemicentin 1; plus strand). Cytogenetic location: 1q31.1.
Variant type: single nucleotide variant.
Coding change: c.697G>A on transcript NM_031935.3 (MANE Select); coding-DNA position 697, G replaced by A.
Protein change: p.Val233Ile; replaces valine 233 with isoleucine.
Molecular consequence: missense variant.
Genome position (GRCh38, 1-based): chr1:185,909,412, G>A. VCF-style: chr1-185909412-G-A. GRCh37 (hg19) VCF-style: chr1-185878544-G-A.
Other names: short protein forms V233I.
Identifiers: ClinVar variation 1896230 (VCV001896230.5), dbSNP rs540097337, ClinGen allele CA33449580.

ClinVar aggregate classification (germline): Uncertain significance (1 of 4 stars; one submission).

Allele frequency attached by ClinVar (database versions not stated): TOPMed 0.00004.
gnomAD v4.1: 49 of 1,613,334 alleles (0.003%); highest among the groups gnomAD compares: Non-Finnish European, 0.0041%; no homozygotes.

Submission:

Labcorp Genetics (formerly Invitae), Labcorp
Classification: Uncertain significance. Last evaluated: 2023-09-23. Review status: criteria provided, single submitter. Criteria: Invitae Variant Classification Sherloc (09022015). Collection method: clinical testing. Allele origin: germline.
Comment: This variant is present in population databases (no rsID available, gnomAD 0.004%). In summary, the available evidence is currently insufficient to determine the role of this variant in disease. Therefore, it has been classified as a Variant of Uncertain Significance. An algorithm developed to predict the effect of missense changes on protein structure and function (PolyPhen-2) suggests that this variant is likely to be tolerated. ClinVar contains an entry for this variant (Variation ID: 1896230). This variant has not been reported in the literature in individuals affected with HMCN1-related conditions. This sequence change replaces valine, which is neutral and non-polar, with isoleucine, which is neutral and non-polar, at codon 233 of the HMCN1 protein (p.Val233Ile).